The following is an entry in ClinVar:

NM_000069.3(CACNA1S):c.4460A>G (p.Asn1487Ser)

Gene: CACNA1S (calcium voltage-gated channel subunit alpha1 S; minus strand). Cytogenetic location: 1q32.1.
Variant type: single nucleotide variant.
Coding change: c.4460A>G on transcript NM_000069.3 (MANE Select); coding-DNA position 4460, A replaced by G.
Protein change: p.Asn1487Ser; replaces asparagine 1487 with serine.
Molecular consequence: missense variant.
Genome position (GRCh38, 1-based): chr1:201,047,608, T>C on the plus strand (A>G on the coding strand, the complement: CACNA1S is on the minus strand). VCF-style: chr1-201047608-T-C. GRCh37 (hg19) VCF-style: chr1-201016736-T-C.
Other names: short protein forms N1487S.
Identifiers: ClinVar variation 2923817 (VCV002923817.3), dbSNP rs1370091371, ClinGen allele CA344143431.

ClinVar aggregate classification (germline): Uncertain significance (1 of 4 stars; one submission).

Conditions:
Malignant hyperthermia, susceptibility to, 5 (MHS5). Also called: CACNA1S-Related Malignant Hyperthermia Susceptibility. Identifiers: Orphanet 423, MedGen C1866077, MONDO:0011163, OMIM 601887.
Hypokalemic periodic paralysis, type 1. Also called: Hypokalemic Periodic Paralysis Type 1 (AD); HypoPP. Identifiers: Orphanet 681, MedGen C3714580, MONDO:0042979, OMIM 170400.

Allele frequency attached by ClinVar (database versions not stated): TOPMed below 0.00001; gnomAD 0.00001.
gnomAD v4.1: 5 of 1,614,024 alleles (0.00031%); highest among the groups gnomAD compares: African/African-American, 0.004%; no homozygotes.

Submission:

Labcorp Genetics (formerly Invitae), Labcorp
Classification: Uncertain significance for Hypokalemic periodic paralysis, type 1; Malignant hyperthermia, susceptibility to, 5. Last evaluated: 2024-01-25. Review status: criteria provided, single submitter. Criteria: Invitae Variant Classification Sherloc (09022015). Collection method: clinical testing. Allele origin: germline.
Comment: This sequence change replaces asparagine, which is neutral and polar, with serine, which is neutral and polar, at codon 1487 of the CACNA1S protein (p.Asn1487Ser). This variant is not present in population databases (gnomAD no frequency). This variant has not been reported in the literature in individuals affected with CACNA1S-related conditions. Advanced modeling of protein sequence and biophysical properties (such as structural, functional, and spatial information, amino acid conservation, physicochemical variation, residue mobility, and thermodynamic stability) performed at Invitae indicates that this missense variant is expected to disrupt CACNA1S protein function with a positive predictive value of 80%. In summary, the available evidence is currently insufficient to determine the role of this variant in disease. Therefore, it has been classified as a Variant of Uncertain Significance.